The following is an entry in ClinVar:

NM_012079.6(DGAT1):c.751+5G>A

Gene: DGAT1 (diacylglycerol O-acyltransferase 1; minus strand). Cytogenetic location: 8q24.3.
Variant type: single nucleotide variant.
Coding change: c.751+5G>A on transcript NM_012079.6 (MANE Select); 5 bases into the intron after coding-DNA position 751, G replaced by A.
Molecular consequence: intron variant.
Genome position (GRCh38, 1-based): chr8:144,318,090, C>T on the plus strand (G>A on the coding strand, the complement: DGAT1 is on the minus strand). VCF-style: chr8-144318090-C-T. GRCh37 (hg19) VCF-style: chr8-145541753-C-T.
Identifiers: ClinVar variation 1923844 (VCV001923844.5), dbSNP rs2130518698, ClinGen allele CA2580078657.

ClinVar aggregate classification (germline): Uncertain significance (1 of 4 stars; one submission).

gnomAD v4.1: 1 of 1,527,234 alleles (0.000065%); highest among the groups gnomAD compares: East Asian, 0.0023%; no homozygotes.

Submission:

Labcorp Genetics (formerly Invitae), Labcorp
Classification: Uncertain significance. Last evaluated: 2022-03-24. Review status: criteria provided, single submitter. Criteria: Invitae Variant Classification Sherloc (09022015). Collection method: clinical testing. Allele origin: germline.
Comment: In summary, the available evidence is currently insufficient to determine the role of this variant in disease. Therefore, it has been classified as a Variant of Uncertain Significance. Variants that disrupt the consensus splice site are a relatively common cause of aberrant splicing (PMID: 17576681, 9536098). Algorithms developed to predict the effect of sequence changes on RNA splicing suggest that this variant may disrupt the consensus splice site. This variant has not been reported in the literature in individuals affected with DGAT1-related conditions. This variant is not present in population databases (gnomAD no frequency). This sequence change falls in intron 8 of the DGAT1 gene. It does not directly change the encoded amino acid sequence of the DGAT1 protein. It affects a nucleotide within the consensus splice site.

Literature cited by the submitters: PubMed 17576681; PubMed 9536098.